The following is an entry in ClinVar:

NM_000051.4(ATM):c.90del (p.Phe30fs)

Gene: ATM (ATM serine/threonine kinase; plus strand). Cytogenetic location: 11q22.3.
Variant type: Deletion.
Coding change: c.90del on transcript NM_000051.4 (MANE Select); coding-DNA position 90, one base deleted (T; older notation c.90delT).
Protein change: p.Phe30fs; shifts the reading frame from phenylalanine 30.
Molecular consequence: frameshift variant.
Genome position (GRCh38, 1-based): chr11:108,227,793, T deleted; the last of 3 consecutive T bases (chr11:108,227,791-108,227,793); deleting any one gives the same sequence. VCF-style (leftmost placement, unchanged base first): chr11-108227790-AT-A. GRCh37 (hg19) VCF-style: chr11-108098517-AT-A.
Other names: c.90del, p.Phe30fs (NM_001351834.2, NM_001351835.2, NM_001351836.2); short protein forms F30fs.
Identifiers: ClinVar variation 1072474 (VCV001072474.8), dbSNP rs2135011143, ClinGen allele CA2499220551.

ClinVar aggregate classification (germline): Pathogenic/Likely pathogenic. Review status: criteria provided, multiple submitters, no conflicts (2 of 4 stars). 2 submissions from 2 submitters: Pathogenic (1); Likely pathogenic (1). Last evaluated 2023-11-08.

Conditions:
Familial cancer of breast. Also called: Hereditary breast cancer; BREAST CANCER, FAMILIAL; hereditary breast carcinoma. Identifiers: Orphanet 227535, MedGen C0346153, MONDO:0016419, OMIM 114480. Disease mechanism: loss of function.
Ataxia-telangiectasia syndrome (AT). Also called: LOUIS-BAR SYNDROME; Ataxia-telangiectasia, complementation group D; AT, COMPLEMENTATION GROUP C; Cerebello-oculocutaneous telangiectasia; Immunodeficiency with ataxia telangiectasia; ATAXIA-TELANGIECTASIA, COMPLEMENTATION GROUP A. Identifiers: Orphanet 100, MedGen C0004135, MONDO:0008840, OMIM 208900.

Submissions (2):

Baylor Genetics
Classification: Likely pathogenic for Familial cancer of breast. Last evaluated: 2023-11-08. Review status: criteria provided, single submitter. Criteria: ACMG Guidelines, 2015. Collection method: clinical testing. Allele origin: unknown.

Labcorp Genetics (formerly Invitae), Labcorp
Classification: Pathogenic for Ataxia-telangiectasia syndrome. Last evaluated: 2020-04-20. Review status: criteria provided, single submitter. Criteria: Invitae Variant Classification Sherloc (09022015). Collection method: clinical testing. Allele origin: germline.
Comment: This sequence change creates a premature translational stop signal (p.Phe30Leufs*4) in the ATM gene. It is expected to result in an absent or disrupted protein product. This variant is not present in population databases (ExAC no frequency). This variant has not been reported in the literature in individuals with ATM-related conditions. Loss-of-function variants in ATM are known to be pathogenic (PMID: 23807571, 25614872). For these reasons, this variant has been classified as Pathogenic.

Literature cited by the submitters: PubMed 23807571 (cited by Labcorp Genetics (formerly Invitae), Labcorp); PubMed 25614872 (cited by Labcorp Genetics (formerly Invitae), Labcorp).